The following is an entry in ClinVar:

ClinVar aggregate classification (germline): Uncertain significance (1 of 4 stars; one submission).

Conditions:
Fibrous dysplasia of jaw (CRBM). Also called: Cherubism. Identifiers: Orphanet 184, MedGen C0008029, MONDO:0007315, OMIM 118400.

Submission:

Labcorp Genetics (formerly Invitae), Labcorp
Classification: Uncertain significance for Fibrous dysplasia of jaw. Last evaluated: 2024-10-30. Review status: criteria provided, single submitter. Criteria: Invitae Variant Classification Sherloc (09022015). Collection method: clinical testing. Allele origin: germline.
Comment: This sequence change replaces alanine, which is neutral and non-polar, with valine, which is neutral and non-polar, at codon 112 of the SH3BP2 protein (p.Ala112Val). This variant is not present in population databases (gnomAD no frequency). This variant has not been reported in the literature in individuals affected with SH3BP2-related conditions. ClinVar contains an entry for this variant (Variation ID: 2978416). Invitae Evidence Modeling of protein sequence and biophysical properties (such as structural, functional, and spatial information, amino acid conservation, physicochemical variation, residue mobility, and thermodynamic stability) indicates that this missense variant is not expected to disrupt SH3BP2 protein function with a negative predictive value of 95%. In summary, the available evidence is currently insufficient to determine the role of this variant in disease. Therefore, it has been classified as a Variant of Uncertain Significance.

NM_001122681.2(SH3BP2):c.335C>T (p.Ala112Val)

Gene: SH3BP2 (SH3 domain binding protein 2; plus strand). Cytogenetic location: 4p16.3.
Variant type: single nucleotide variant.
Coding change: c.335C>T on transcript NM_001122681.2 (MANE Select); coding-DNA position 335, C replaced by T.
Protein change: p.Ala112Val; replaces alanine 112 with valine.
Molecular consequence: missense variant.
Genome position (GRCh38, 1-based): chr4:2,824,708, C>T. VCF-style: chr4-2824708-C-T. GRCh37 (hg19) VCF-style: chr4-2826435-C-T.
Other names: c.335C>T, p.Ala112Val (NM_003023.4); c.419C>T, p.Ala140Val (NM_001145855.2); c.506C>T, p.Ala169Val (NM_001145856.2); short protein forms A169V, A112V, A140V.
Identifiers: ClinVar variation 2978416 (VCV002978416.3), dbSNP rs2530324825, ClinGen allele CA356053880.